The following is an entry in ClinVar:

ClinVar aggregate classification (germline): Likely pathogenic (1 of 4 stars; one submission).

Conditions:
WDFY3-related disorder.

Submission:

3billion
Classification: Likely pathogenic for WDFY3-related disorder. Last evaluated: 2025-12-08. Review status: criteria provided, single submitter. Criteria: ACMG Guidelines, 2015. Collection method: clinical testing. Allele origin: germline. Affected: yes.
Comment: The variant is not observed in the gnomAD v4.1.0 dataset. Predicted Consequence/Location: Stop-gained (nonsense): predicted to result in a loss or disruption of normal protein function through nonsense-mediated decay (NMD) or protein truncation. Multiple pathogenic variants are reported downstream of the variant. Therefore, this variant is classified as Likely pathogenic according to the recommendation of ACMG/AMP guideline.

NM_014991.6(WDFY3):c.10311G>A (p.Trp3437Ter)

Gene: WDFY3 (WD repeat and FYVE domain containing 3; minus strand). Cytogenetic location: 4q21.23.
Variant type: single nucleotide variant.
Coding change: c.10311G>A on transcript NM_014991.6 (MANE Select); coding-DNA position 10311, G replaced by A.
Protein change: p.Trp3437Ter; replaces tryptophan 3437 with a stop codon.
Molecular consequence: nonsense.
Genome position (GRCh38, 1-based): chr4:84,677,345, C>T on the plus strand (G>A on the coding strand, the complement: WDFY3 is on the minus strand). VCF-style: chr4-84677345-C-T. GRCh37 (hg19) VCF-style: chr4-85598498-C-T.
Other names: short protein forms W3437*.
Identifiers: ClinVar variation 4855465 (VCV004855465.1).
Genomic context (GRCh38, chr4:84,677,345, plus strand): 5'-ACCACCTTCATCCTTCACCCAGTGATCAGCAGCAGAACGGCCTGGCTGGTCACTCACAGA[C>T]CAGCTGAAAACTCGGCCTCGACTGTCACCAACGAGGATCCTACTGTGATCCCTGCAGGAG-3'